The following is an entry in ClinVar:

NM_031471.6(FERMT3):c.634C>T (p.Arg212Cys)

Gene: FERMT3 (FERM domain containing kindlin 3; plus strand). Cytogenetic location: 11q13.1.
Variant type: single nucleotide variant.
Coding change: c.634C>T on transcript NM_031471.6 (MANE Select); coding-DNA position 634, C replaced by T.
Protein change: p.Arg212Cys; replaces arginine 212 with cysteine.
Molecular consequence: missense variant.
Genome position (GRCh38, 1-based): chr11:64,211,394, C>T. VCF-style: chr11-64211394-C-T. GRCh37 (hg19) VCF-style: chr11-63978866-C-T.
Other names: c.634C>T, p.Arg212Cys (NM_001382361.1, NM_001382362.1, NM_001382448.1 and 1 more transcripts); c.94C>T, p.Arg32Cys (NM_001382363.1, NM_001382364.1); short protein forms R212C, R32C.
Identifiers: ClinVar variation 576929 (VCV000576929.8), dbSNP rs369072342, ClinGen allele CA6068828.

ClinVar aggregate classification (germline): Uncertain significance (1 of 4 stars; one submission).

Conditions:
Leukocyte adhesion deficiency 3. Also called: Leukocyte adhesion deficiency, type III; INTEGRIN ACTIVATION DEFICIENCY DISEASE; LEUKOCYTE ADHESION DEFICIENCY 1 VARIANT. Identifiers: Orphanet 2968, Orphanet 99844, MedGen C2748536, MONDO:0013016, OMIM 612840.

Allele frequency attached by ClinVar (database versions not stated): TOPMed below 0.00001; ExAC 0.00001; ESP Exome Variant Server 0.00008.
gnomAD v4.1: 6 of 1,605,376 alleles (0.00037%); highest among the groups gnomAD compares: Non-Finnish European, 0.00051%; no homozygotes.

Submission:

Labcorp Genetics (formerly Invitae), Labcorp
Classification: Uncertain significance for Leukocyte adhesion deficiency 3. Last evaluated: 2026-01-05. Review status: criteria provided, single submitter. Criteria: Invitae Variant Classification Sherloc (09022015). Collection method: clinical testing. Allele origin: germline.
Comment: This sequence change replaces arginine, which is basic and polar, with cysteine, which is neutral and slightly polar, at codon 212 of the FERMT3 protein (p.Arg212Cys). The frequency data for this variant in the population databases is considered unreliable, as metrics indicate poor data quality at this position in the gnomAD database. This variant has not been reported in the literature in individuals affected with FERMT3-related conditions. ClinVar contains an entry for this variant (Variation ID: 576929). Invitae Evidence Modeling of protein sequence and biophysical properties (such as structural, functional, and spatial information, amino acid conservation, physicochemical variation, residue mobility, and thermodynamic stability) indicates that this missense variant is not expected to disrupt FERMT3 protein function with a negative predictive value of 80%. In summary, the available evidence is currently insufficient to determine the role of this variant in disease. Therefore, it has been classified as a Variant of Uncertain Significance.